The following is an entry in ClinVar:

ClinVar aggregate classification (germline): Pathogenic (1 of 4 stars; one submission).

Conditions:
Hereditary cancer-predisposing syndrome. Also called: Neoplastic Syndromes, Hereditary; Tumor predisposition; Hereditary Cancer Syndrome; Hereditary neoplastic syndrome. Identifiers: Orphanet 140162, MedGen C0027672, MeSH D009386, MONDO:0015356.

Submission:

Ambry Genetics
Classification: Pathogenic for Hereditary cancer-predisposing syndrome. Last evaluated: 2018-08-25. Review status: criteria provided, single submitter. Criteria: Ambry Variant Classification Scheme 2023. Collection method: clinical testing. Allele origin: germline.
Comment: The p.G237* pathogenic mutation (also known as c.709G>T), located in coding exon 4 of the MSH6 gene, results from a G to T substitution at nucleotide position 709. This changes the amino acid from a glycine to a stop codon within coding exon 4. This alteration is expected to result in loss of function by premature protein truncation or nonsense-mediated mRNA decay. As such, this alteration is interpreted as a disease-causing mutation.

NM_000179.3(MSH6):c.709G>T (p.Gly237Ter)

Gene: MSH6 (mutS homolog 6; plus strand). Cytogenetic location: 2p16.3.
Variant type: single nucleotide variant.
Coding change: c.709G>T on transcript NM_000179.3 (MANE Select); coding-DNA position 709, G replaced by T.
Protein change: p.Gly237Ter; replaces glycine 237 with a stop codon.
Molecular consequence: nonsense. On other transcripts: 5 prime UTR variant (2).
Genome position (GRCh38, 1-based): chr2:47,798,692, G>T. VCF-style: chr2-47798692-G-T. GRCh37 (hg19) VCF-style: chr2-48025831-G-T.
Other names: c.412G>T, p.Gly138Ter (NM_001406820.1, NM_001406821.1, NM_001406822.1 and 10 more transcripts); c.-198G>T (NM_001406823.1, NM_001406829.1, NM_001281493.2 and 6 more transcripts); c.541G>T, p.Gly181Ter (NM_001406826.1); c.319G>T, p.Gly107Ter (NM_001281492.2); c.805G>T, p.Gly269Ter (NM_001406795.1, NM_001406802.1); c.709G>T, p.Gly237Ter (NM_001406796.1, NM_001406798.1, NM_001406800.1 and 4 more transcripts); c.184G>T, p.Gly62Ter (NM_001406799.1, NM_001406806.1, NM_001406807.1); c.631G>T, p.Gly211Ter (NM_001406804.1); and 1 more; short protein forms G269*, G211*, G237*, G239*, G62*, G138*, G107*, G181*.
Identifiers: ClinVar variation 1757150 (VCV001757150.2), dbSNP rs1424907900, ClinGen allele CA346739989.